The following is an entry in ClinVar:

ClinVar aggregate classification (germline): Uncertain significance (1 of 4 stars; one submission).

Conditions:
Methylcobalamin deficiency type cblE (HMAE). Also called: VITAMIN B12-RESPONSIVE HOMOCYSTINURIA, cblE TYPE; HOMOCYSTINURIA-MEGALOBLASTIC ANEMIA, cblE COMPLEMENTATION TYPE; HOMOCYSTINURIA-MEGALOBLASTIC ANEMIA, cblE TYPE. Identifiers: Orphanet 2169, Orphanet 622, MedGen C1856057, MONDO:0009354, OMIM 236270.

Submission:

Labcorp Genetics (formerly Invitae), Labcorp
Classification: Uncertain significance for Methylcobalamin deficiency type cblE. Last evaluated: 2020-10-20. Review status: criteria provided, single submitter. Criteria: Invitae Variant Classification Sherloc (09022015). Collection method: clinical testing. Allele origin: germline.
Comment: Algorithms developed to predict the effect of missense changes on protein structure and function are either unavailable or do not agree on the potential impact of this missense change (SIFT: "Tolerated"; PolyPhen-2: "Probably Damaging"; Align-GVGD: "Class C0"). In summary, the available evidence is currently insufficient to determine the role of this variant in disease. Therefore, it has been classified as a Variant of Uncertain Significance. This variant has not been reported in the literature in individuals with MTRR-related conditions. This variant is not present in population databases (ExAC no frequency). This sequence change replaces alanine with valine at codon 657 of the MTRR protein (p.Ala657Val). The alanine residue is moderately conserved and there is a small physicochemical difference between alanine and valine.

NM_002454.3(MTRR):c.1970C>T (p.Ala657Val)

Gene: MTRR (5-methyltetrahydrofolate-homocysteine methyltransferase reductase; plus strand). Cytogenetic location: 5p15.31.
Variant type: single nucleotide variant.
Coding change: c.1970C>T on transcript NM_002454.3 (MANE Select); coding-DNA position 1970, C replaced by T.
Protein change: p.Ala657Val; replaces alanine 657 with valine.
Molecular consequence: missense variant. On other transcripts: non-coding transcript variant (14).
Genome position (GRCh38, 1-based): chr5:7,899,931, C>T. VCF-style: chr5-7899931-C-T. GRCh37 (hg19) VCF-style: chr5-7900044-C-T.
Other names: c.1970C>T, p.Ala657Val (NM_001364440.2, NM_001364441.2, NM_001364442.2 and 1 more transcripts); short protein forms A657V.
Identifiers: ClinVar variation 1009244 (VCV001009244.9), dbSNP rs1739209079, ClinGen allele CA359160113.